The following is an entry in ClinVar:

NM_018136.5(ASPM):c.639A>G (p.Ile213Met)

Gene: ASPM (assembly factor for spindle microtubules; minus strand). Cytogenetic location: 1q31.3.
Variant type: single nucleotide variant.
Coding change: c.639A>G on transcript NM_018136.5 (MANE Select); coding-DNA position 639, A replaced by G.
Protein change: p.Ile213Met; replaces isoleucine 213 with methionine.
Molecular consequence: missense variant.
Genome position (GRCh38, 1-based): chr1:197,143,613, T>C on the plus strand (A>G on the coding strand, the complement: ASPM is on the minus strand). VCF-style: chr1-197143613-T-C. GRCh37 (hg19) VCF-style: chr1-197112743-T-C.
Other names: c.639A>G, p.Ile213Met (NM_001206846.2); c.639A>G (NM_018136.4); short protein forms I213M.
Identifiers: ClinVar variation 2188606 (VCV002188606.4), dbSNP rs766195570, ClinGen allele CA1310832.

ClinVar aggregate classification (germline): Uncertain significance. Review status: criteria provided, multiple submitters, no conflicts (2 of 4 stars). 3 submissions from 3 submitters: Uncertain significance (3). Last evaluated 2025-01-15.

Conditions:
Inborn genetic diseases. Identifiers: MedGen C0950123, MeSH D030342.
Microcephaly 5, primary, autosomal recessive (MCPH5). Also called: ASPM Primary Microcephaly. Identifiers: Orphanet 2512, MedGen C1837501, MONDO:0012106, OMIM 608716.

Allele frequency attached by ClinVar (database versions not stated): ExAC 0.00001; gnomAD 0.00005; gnomAD exomes 0.00005; TOPMed 0.00005.
gnomAD v4.1: 78 of 1,612,950 alleles (0.0048%); highest among the groups gnomAD compares: Non-Finnish European, 0.0061%; no homozygotes.

Submissions (3):

Ambry Genetics
Classification: Uncertain significance for Inborn genetic diseases. Last evaluated: 2025-01-15. Review status: criteria provided, single submitter. Criteria: Ambry Variant Classification Scheme 2023. Collection method: clinical testing. Allele origin: germline.

Genome-Nilou Lab
Classification: Uncertain significance for Microcephaly 5, primary, autosomal recessive. Last evaluated: 2023-04-11. Review status: criteria provided, single submitter. Criteria: ACMG Guidelines, 2015. Collection method: clinical testing. Allele origin: germline. Affected: no.

Labcorp Genetics (formerly Invitae), Labcorp
Classification: Uncertain significance. Last evaluated: 2022-05-12. Review status: criteria provided, single submitter. Criteria: Invitae Variant Classification Sherloc (09022015). Collection method: clinical testing. Allele origin: germline.
Comment: This sequence change replaces isoleucine, which is neutral and non-polar, with methionine, which is neutral and non-polar, at codon 213 of the ASPM protein (p.Ile213Met). This variant is present in population databases (rs766195570, gnomAD 0.003%). This variant has not been reported in the literature in individuals affected with ASPM-related conditions. Algorithms developed to predict the effect of missense changes on protein structure and function (SIFT, PolyPhen-2, Align-GVGD) all suggest that this variant is likely to be tolerated. In summary, the available evidence is currently insufficient to determine the role of this variant in disease. Therefore, it has been classified as a Variant of Uncertain Significance.